The following is an entry in ClinVar:

ClinVar aggregate classification (germline): Uncertain significance (1 of 4 stars; one submission).

Submission:

Labcorp Genetics (formerly Invitae), Labcorp
Classification: Uncertain significance. Last evaluated: 2022-07-21. Review status: criteria provided, single submitter. Criteria: Invitae Variant Classification Sherloc (09022015). Collection method: clinical testing. Allele origin: germline.
Comment: This variant is not present in population databases (gnomAD no frequency). In summary, the available evidence is currently insufficient to determine the role of this variant in disease. Therefore, it has been classified as a Variant of Uncertain Significance. Advanced modeling of protein sequence and biophysical properties (such as structural, functional, and spatial information, amino acid conservation, physicochemical variation, residue mobility, and thermodynamic stability) performed at Invitae indicates that this missense variant is not expected to disrupt NOTCH3 protein function. This variant has not been reported in the literature in individuals affected with NOTCH3-related conditions. This sequence change replaces phenylalanine, which is neutral and non-polar, with leucine, which is neutral and non-polar, at codon 566 of the NOTCH3 protein (p.Phe566Leu).

NM_000435.3(NOTCH3):c.1698C>G (p.Phe566Leu)

Gene: NOTCH3 (notch receptor 3; minus strand). Cytogenetic location: 19p13.12.
Variant type: single nucleotide variant.
Coding change: c.1698C>G on transcript NM_000435.3 (MANE Select); coding-DNA position 1698, C replaced by G.
Protein change: p.Phe566Leu; replaces phenylalanine 566 with leucine.
Molecular consequence: missense variant.
Genome position (GRCh38, 1-based): chr19:15,187,247, G>C on the plus strand (C>G on the coding strand, the complement: NOTCH3 is on the minus strand). VCF-style: chr19-15187247-G-C. GRCh37 (hg19) VCF-style: chr19-15298058-G-C.
Other names: short protein forms F566L.
Identifiers: ClinVar variation 1722300 (VCV001722300.5), dbSNP rs761015234, ClinGen allele CA404525196.